The following is an entry in ClinVar:

ClinVar aggregate classification (germline): Uncertain significance (1 of 4 stars; one submission).

Conditions:
Autism spectrum disorder due to AUTS2 deficiency (MRD26). Also called: INTELLECTUAL DEVELOPMENTAL DISORDER, AUTOSOMAL DOMINANT 26. Identifiers: Orphanet 352490, MedGen C4014435, MONDO:0014361, OMIM 615834.

gnomAD v4.1: 1 of 1,607,432 alleles (0.000062%); highest among the groups gnomAD compares: Admixed American, 0.0017%; no homozygotes.

Submission:

OLLIN Analises Genomicas, OLLIN
Classification: Uncertain significance for Autism spectrum disorder due to AUTS2 deficiency. Last evaluated: 2026-08-06. Review status: criteria provided, single submitter. Criteria: ACMG Guidelines 2015 PMID 25741868. Collection method: clinical testing. Allele origin: germline. Inheritance: Autosomal dominant inheritance.
Comment: This missense variant, located in exon 19 (of 19), has been observed in gnomAD with an allele frequency of 0.000062%, but has not been reported in ClinVar or identified in the literature. In silico analysis predicts that this variant has a tolerated effect. According to the currently available evidence, this variant has been classified as uncertain significance (PM2_P, BP4_M).

NM_015570.4(AUTS2):c.2776G>T (p.Gly926Trp)

Gene: AUTS2 (activator of transcription and developmental regulator AUTS2; plus strand). Cytogenetic location: 7q11.22.
Variant type: single nucleotide variant.
Coding change: c.2776G>T on transcript NM_015570.4 (MANE Select); coding-DNA position 2776, G replaced by T.
Protein change: p.Gly926Trp; replaces glycine 926 with tryptophan.
Molecular consequence: missense variant.
Genome position (GRCh38, 1-based): chr7:70,789,992, G>T. VCF-style: chr7-70789992-G-T. GRCh37 (hg19) VCF-style: chr7-70254978-G-T.
Other names: c.2704G>T, p.Gly902Trp (NM_001127231.3); short protein forms G902W, G926W.
Identifiers: ClinVar variation 5003192 (VCV005003192.1).